The following is an entry in ClinVar:

ClinVar aggregate classification (germline): Uncertain significance. Review status: criteria provided, multiple submitters, no conflicts (2 of 4 stars). 3 submissions from 3 submitters: Uncertain significance (3). Last evaluated 2023-09-15.

Conditions:
Hereditary cancer-predisposing syndrome. Also called: Tumor predisposition; Hereditary neoplastic syndrome; Neoplastic Syndromes, Hereditary; Hereditary Cancer Syndrome. Identifiers: Orphanet 140162, MedGen C0027672, MeSH D009386, MONDO:0015356.
Isolated focal cortical dysplasia type II (FCORD2). Also called: Focal cortical dysplasia type II; CORTICAL DYSPLASIA OF TAYLOR. Identifiers: Orphanet 268994, MedGen C1846385, MONDO:0011818, OMIM 607341, HP:0032051.
Tuberous sclerosis 1 (TSC1). Identifiers: Orphanet 805, MedGen C1854465, MONDO:0008612, OMIM 191100.

Allele frequency attached by ClinVar (database versions not stated): gnomAD exomes below 0.00001.
gnomAD v4.1: 1 of 1,614,162 alleles (0.000062%); highest among the groups gnomAD compares: African/African-American, 0.0013%; no homozygotes.

Submissions (3):

Labcorp Genetics (formerly Invitae), Labcorp
Classification: Uncertain significance for Tuberous sclerosis 1. Last evaluated: 2023-09-15. Review status: criteria provided, single submitter. Criteria: Invitae Variant Classification Sherloc (09022015). Collection method: clinical testing. Allele origin: germline.
Comment: In summary, the available evidence is currently insufficient to determine the role of this variant in disease. Therefore, it has been classified as a Variant of Uncertain Significance. Advanced modeling of protein sequence and biophysical properties (such as structural, functional, and spatial information, amino acid conservation, physicochemical variation, residue mobility, and thermodynamic stability) performed at Invitae indicates that this missense variant is not expected to disrupt TSC1 protein function. This sequence change replaces valine, which is neutral and non-polar, with isoleucine, which is neutral and non-polar, at codon 858 of the TSC1 protein (p.Val858Ile). This variant is not present in population databases (gnomAD no frequency). This variant has not been reported in the literature in individuals affected with TSC1-related conditions. ClinVar contains an entry for this variant (Variation ID: 934639).

Baylor Genetics
Classification: Uncertain significance for Isolated focal cortical dysplasia type II. Last evaluated: 2023-09-07. Review status: criteria provided, single submitter. Criteria: ACMG Guidelines, 2015. Collection method: clinical testing. Allele origin: unknown.

Ambry Genetics
Classification: Uncertain significance for Hereditary cancer-predisposing syndrome. Last evaluated: 2021-11-18. Review status: criteria provided, single submitter. Criteria: Ambry Variant Classification Scheme 2023. Collection method: clinical testing. Allele origin: germline.
Comment: The p.V858I variant (also known as c.2572G>A), located in coding exon 18 of the TSC1 gene, results from a G to A substitution at nucleotide position 2572. The valine at codon 858 is replaced by isoleucine, an amino acid with highly similar properties. This amino acid position is not well conserved in available vertebrate species. In addition, this alteration is predicted to be tolerated by in silico analysis. Since supporting evidence is limited at this time, the clinical significance of this alteration remains unclear.

NM_000368.5(TSC1):c.2572G>A (p.Val858Ile)

Gene: TSC1 (TSC complex subunit 1; minus strand). Cytogenetic location: 9q34.13.
Variant type: single nucleotide variant.
Coding change: c.2572G>A on transcript NM_000368.5 (MANE Select); coding-DNA position 2572, G replaced by A.
Protein change: p.Val858Ile; replaces valine 858 with isoleucine.
Molecular consequence: missense variant.
Genome position (GRCh38, 1-based): chr9:132,900,768, C>T on the plus strand (G>A on the coding strand, the complement: TSC1 is on the minus strand). VCF-style: chr9-132900768-C-T. GRCh37 (hg19) VCF-style: chr9-135776155-C-T.
Other names: c.2569G>A, p.Val857Ile (NM_001162426.2); c.2419G>A, p.Val807Ile (NM_001162427.2); c.2209G>A, p.Val737Ile (NM_001362177.2); short protein forms V737I, V807I, V857I, V858I.
Identifiers: ClinVar variation 934639 (VCV000934639.13), dbSNP rs1845329722, ClinGen allele CA375370056.